The following is an entry in ClinVar:

NM_058216.3(RAD51C):c.477T>C (p.Asp159=)

Gene: RAD51C (RAD51 paralog C; plus strand). Cytogenetic location: 17q22.
Variant type: single nucleotide variant.
Coding change: c.477T>C on transcript NM_058216.3 (MANE Select); coding-DNA position 477, T replaced by C.
Protein change: p.Asp159=; no amino-acid change (aspartic acid 159 retained).
Molecular consequence: synonymous variant.
Genome position (GRCh38, 1-based): chr17:58,696,765, T>C. VCF-style: chr17-58696765-T-C. GRCh37 (hg19) VCF-style: chr17-56774126-T-C.
Identifiers: ClinVar variation 538791 (VCV000538791.14), dbSNP rs760436864, ClinGen allele CA8677244.

ClinVar aggregate classification (germline): Benign/Likely benign. Review status: criteria provided, multiple submitters, no conflicts (2 of 4 stars). 3 submissions from 3 submitters: Benign (1); Likely benign (2). Last evaluated 2025-04-28.

Conditions:
Breast-ovarian cancer, familial, susceptibility to, 3. Also called: RAD51C-Related Breast/Ovarian Cancer. Identifiers: Orphanet 145, MedGen C3150659, MONDO:0013253, OMIM 613399.
Fanconi anemia complementation group O. Also called: RAD51C-Related Fanconi Anemia. Identifiers: Orphanet 84, MedGen C3150653, MONDO:0013248, OMIM 613390.
Hereditary cancer-predisposing syndrome. Also called: Neoplastic Syndromes, Hereditary; Tumor predisposition; Hereditary Cancer Syndrome; Hereditary neoplastic syndrome. Identifiers: Orphanet 140162, MedGen C0027672, MeSH D009386, MONDO:0015356.

Allele frequency attached by ClinVar (database versions not stated): gnomAD exomes below 0.00001; ExAC 0.00001.
gnomAD v4.1: 2 of 1,614,222 alleles (0.00012%); highest among the groups gnomAD compares: South Asian, 0.0022%; no homozygotes.

Submissions (3):

Labcorp Genetics (formerly Invitae), Labcorp
Classification: Likely benign for Fanconi anemia complementation group O. Last evaluated: 2025-04-28. Review status: criteria provided, single submitter. Criteria: Invitae Variant Classification Sherloc (09022015). Collection method: clinical testing. Allele origin: germline.

Myriad Genetics, Inc.
Classification: Benign for Breast-ovarian cancer, familial, susceptibility to, 3. Last evaluated: 2025-02-18. Review status: criteria provided, single submitter. Criteria: Myriad Autosomal Dominant, Autosomal Recessive and X-Linked Classification Criteria (2023). Collection method: clinical testing. Allele origin: unknown.
Comment: This variant is considered benign. This variant is a silent/synonymous amino acid change and it is not expected to impact splicing.

Ambry Genetics
Classification: Likely benign for Hereditary cancer-predisposing syndrome. Last evaluated: 2019-04-18. Review status: criteria provided, single submitter. Criteria: Ambry Variant Classification Scheme 2023. Collection method: clinical testing. Allele origin: germline.